The following is an entry in ClinVar:

ClinVar aggregate classification (germline): Benign. Review status: criteria provided, single submitter (1 of 4 stars). 3 submissions from 2 submitters: Benign (1). 2 of the submissions do not count toward it. Last evaluated 2019-07-12.

Conditions:
CARDIOMYOPATHY, IDIOPATHIC DILATED, MITOCHONDRIAL. Identifiers: MedGen C4016610.
CARDIOMYOPATHY, HYPERTROPHIC, MITOCHONDRIAL. Identifiers: MedGen C3532240.
MELAS syndrome (MELAS). Also called: Juvenile myopathy, encephalopathy, lactic acidosis, stroke. Identifiers: Orphanet 550, MedGen C0162671, MONDO:0010789, OMIM 540000.

Submissions (3):

Wong Mito Lab, Molecular and Human Genetics, Baylor College of Medicine
Classification: Benign for MELAS syndrome. Last evaluated: 2019-07-12. Review status: criteria provided, single submitter. Criteria: Modified ACMG Guidelines (Unpublished). Collection method: clinical testing. Allele origin: germline.
Comment: The NC_012920.1:m.12192G>A variant in MT-TH gene is interpreted to be a Benign variant based on the modified ACMG guidelines (unpublished). This variant meets the following evidence codes reported in the guidelines: BS1, BS2, BP4

OMIM
Classification: Pathogenic for CARDIOMYOPATHY, IDIOPATHIC DILATED, MITOCHONDRIAL. Last evaluated: 2003-01-01. Review status: no assertion criteria provided. Collection method: literature only. Allele origin: germline. Not counted in ClinVar's aggregate classification.

OMIM
Classification: Pathogenic for CARDIOMYOPATHY, HYPERTROPHIC, MITOCHONDRIAL. Last evaluated: 2003-01-01. Review status: no assertion criteria provided. Collection method: literature only. Allele origin: germline. Not counted in ClinVar's aggregate classification.

Literature cited by the submitters: PubMed 31965079 (cited by Wong Mito Lab, Molecular and Human Genetics, Baylor College of Medicine); PubMed 11038324 (cited by Wong Mito Lab, Molecular and Human Genetics, Baylor College of Medicine and OMIM); PubMed 12560876 (cited by Wong Mito Lab, Molecular and Human Genetics, Baylor College of Medicine and OMIM).

NC_012920.1(MT-TH):m.12192G>A

Gene: MT-TH (mitochondrially encoded tRNA histidine; plus strand).
Variant type: single nucleotide variant.
Genome position: chrM-12192-G-A.
Other names: 12192G-A.
Identifiers: ClinVar variation 9608 (VCV000009608.2), dbSNP rs3134560, ClinGen allele CA120574.